The following is an entry in ClinVar:

ClinVar aggregate classification (germline): Uncertain significance. Review status: criteria provided, multiple submitters, no conflicts (2 of 4 stars). 2 submissions from 2 submitters: Uncertain significance (2). Last evaluated 2026-08-18.

Conditions:
Inborn genetic diseases. Identifiers: MedGen C0950123, MeSH D030342.

Submissions (2):

Ambry Genetics
Classification: Uncertain significance for Inborn genetic diseases. Last evaluated: 2026-08-18. Review status: criteria provided, single submitter. Criteria: Ambry Variant Classification Scheme 2023. Collection method: clinical testing. Allele origin: germline.
Comment: The p.E511G variant (also known as c.1532A>G), located in coding exon 14 of the DDX41 gene, results from an A to G substitution at nucleotide position 1532. The glutamic acid at codon 511 is replaced by glycine, an amino acid with similar properties. This amino acid position is highly conserved in available vertebrate species. In addition, the in silico prediction for this alteration is inconclusive. Based on the available evidence, the clinical significance of this variant remains unclear.

Labcorp Genetics (formerly Invitae), Labcorp
Classification: Uncertain significance. Last evaluated: 2022-07-19. Review status: criteria provided, single submitter. Criteria: Invitae Variant Classification Sherloc (09022015). Collection method: clinical testing. Allele origin: germline.
Comment: This sequence change replaces glutamic acid, which is acidic and polar, with glycine, which is neutral and non-polar, at codon 511 of the DDX41 protein (p.Glu511Gly). This variant is not present in population databases (gnomAD no frequency). This variant has not been reported in the literature in individuals affected with DDX41-related conditions. Algorithms developed to predict the effect of missense changes on protein structure and function are either unavailable or do not agree on the potential impact of this missense change (SIFT: "Not Available"; PolyPhen-2: "Possibly Damaging"; Align-GVGD: "Not Available"). In summary, the available evidence is currently insufficient to determine the role of this variant in disease. Therefore, it has been classified as a Variant of Uncertain Significance.

NM_016222.4(DDX41):c.1532A>G (p.Glu511Gly)

Gene: DDX41 (DEAD-box helicase 41; minus strand). Cytogenetic location: 5q35.3.
Variant type: single nucleotide variant.
Coding change: c.1532A>G on transcript NM_016222.4 (MANE Select); coding-DNA position 1532, A replaced by G.
Protein change: p.Glu511Gly; replaces glutamic acid 511 with glycine.
Molecular consequence: missense variant.
Genome position (GRCh38, 1-based): chr5:177,512,513, T>C on the plus strand (A>G on the coding strand, the complement: DDX41 is on the minus strand). VCF-style: chr5-177512513-T-C. GRCh37 (hg19) VCF-style: chr5-176939514-T-C.
Other names: c.1532A>G (NM_016222.2); c.1154A>G, p.Glu385Gly (NM_001321732.2, NM_001321830.2); short protein forms E385G, E511G.
Identifiers: ClinVar variation 1910010 (VCV001910010.6), dbSNP rs2532075577, ClinGen allele CA362372597.
Genomic context (GRCh38, chr5:177,512,513, plus strand): 5'-CCTTTTCCGGCCTAACCCATGCCCTTGGGCCCCAGGCTCTTACCATAGTTCTCAATCTCC[T>C]CTGGCATGTCATAATTGATGACGTGCTGGATGGCAGGGAAGTCCAGGCCCTTGGAGGCAA-3'
Protein context (NP_057306.2, residues 501-521): IQHVINYDMP[Glu511Gly]EIENYVHRIG